The following is an entry in ClinVar:

ClinVar aggregate classification (germline): Likely benign (1 of 4 stars; one submission).

Conditions:
Pheochromocytoma/paraganglioma syndrome 5. Also called: Paragangliomas 5; SDHA-Related Hereditary Paraganglioma-Pheochromocytoma Syndrome. Identifiers: Orphanet 29072, MedGen C3279992, MONDO:0013602, OMIM 614165.

Submission:

Myriad Genetics, Inc.
Classification: Likely benign for Pheochromocytoma/paraganglioma syndrome 5. Last evaluated: 2025-02-28. Review status: criteria provided, single submitter. Criteria: Myriad Autosomal Dominant, Autosomal Recessive and X-Linked Classification Criteria (2023). Collection method: clinical testing. Allele origin: unknown.
Comment: This variant is considered likely benign. This variant is intronic and is not expected to impact mRNA splicing.

NM_004168.4(SDHA):c.64-13T>C

Gene: SDHA (succinate dehydrogenase complex flavoprotein subunit A; plus strand). Cytogenetic location: 5p15.33.
Variant type: single nucleotide variant.
Coding change: c.64-13T>C on transcript NM_004168.4 (MANE Select); 13 bases into the intron before coding-DNA position 64, T replaced by C.
Molecular consequence: intron variant.
Genome position (GRCh38, 1-based): chr5:223,469, T>C. VCF-style: chr5-223469-T-C. GRCh37 (hg19) VCF-style: chr5-223584-T-C.
Other names: c.64-13T>C (NM_001330758.2, NM_001294332.2).
Identifiers: ClinVar variation 3904571 (VCV003904571.1).